The following is an entry in ClinVar:

NM_001715.3(BLK):c.1034C>T (p.Ala345Val)

Gene: BLK (BLK proto-oncogene, Src family tyrosine kinase). Cytogenetic location: 8p23.1.
Variant type: single nucleotide variant.
Coding change: c.1034C>T on transcript NM_001715.3 (MANE Select); coding-DNA position 1034, C replaced by T.
Protein change: p.Ala345Val; replaces alanine 345 with valine.
Molecular consequence: missense variant.
Genome position (GRCh38, 1-based): chr8:11,561,306, C>T. VCF-style: chr8-11561306-C-T. GRCh37 (hg19) VCF-style: chr8-11418815-C-T.
Other names: c.821C>T, p.Ala274Val (NM_001330465.2); short protein forms A274V, A345V.
Identifiers: ClinVar variation 2097154 (VCV002097154.4), dbSNP rs1414630680, ClinGen allele CA370315916.
Genomic context (GRCh38, chr8:11,561,306, plus strand): 5'-TCGGTCTTGGCGTGGAGGCCCCCAGGCTGTCCTTCACCATGTGCCTGTTCCCTCAGATTG[C>T]TGAAGGGATGGCATACATTGAGCGCATGAATTCCATCCACCGCGACCTGCGGGCGGCCAA-3'
Protein context (NP_001706.2, residues 335-355): PRLIDMSAQI[Ala345Val]EGMAYIERMN

ClinVar aggregate classification (germline): Uncertain significance (1 of 4 stars; one submission).

Allele frequency attached by ClinVar (database versions not stated): gnomAD 0.00001; TOPMed 0.00001.
gnomAD v4.1: 4 of 1,613,158 alleles (0.00025%); highest among the groups gnomAD compares: South Asian, 0.0011%; no homozygotes.

Submission:

Labcorp Genetics (formerly Invitae), Labcorp
Classification: Uncertain significance. Last evaluated: 2025-02-10. Review status: criteria provided, single submitter. Criteria: Invitae Variant Classification Sherloc (09022015). Collection method: clinical testing. Allele origin: germline.
Comment: This sequence change replaces alanine, which is neutral and non-polar, with valine, which is neutral and non-polar, at codon 345 of the BLK protein (p.Ala345Val). This variant is not present in population databases (gnomAD no frequency). This variant has not been reported in the literature in individuals affected with BLK-related conditions. ClinVar contains an entry for this variant (Variation ID: 2097154). An algorithm developed to predict the effect of missense changes on protein structure and function (PolyPhen-2) suggests that this variant is likely to be disruptive. In summary, the available evidence is currently insufficient to determine the role of this variant in disease. Therefore, it has been classified as a Variant of Uncertain Significance.